The following is an entry in ClinVar:

NM_033380.3(COL4A5):c.446del (p.Pro149fs)

Gene: COL4A5 (collagen type IV alpha 5 chain; plus strand). Cytogenetic location: Xq22.3.
Variant type: Deletion.
Coding change: c.446del on transcript NM_033380.3 (MANE Select); coding-DNA position 446, one base deleted (C; older notation c.446delC).
Protein change: p.Pro149fs; shifts the reading frame from proline 149.
Molecular consequence: frameshift variant.
Genome position (GRCh38, 1-based): chrX:108,571,818, C deleted; the last of 5 consecutive C bases (chrX:108,571,814-108,571,818); deleting any one gives the same sequence. VCF-style (leftmost placement, unchanged base first): chrX-108571813-AC-A. GRCh37 (hg19) VCF-style: chrX-107815043-AC-A.
Other names: c.446del, p.Pro149fs (NM_000495.5); short protein forms P149fs.
Identifiers: ClinVar variation 587321 (VCV000587321.13), dbSNP rs104886054, ClinGen allele CA258251.
Genomic context (GRCh38, chrX:108,571,813, plus strand): 5'-TAATTGGCGTGTTTCTCTCTCATACATATAAAATAATCCCTTTTCTTTTTAATAATAGGG[AC>A]CCCCTGGGATCCCAGGTATGAAGGTAAGCATCTCATTCTGGGGAACAAATGTTTTGAATA-3'

ClinVar aggregate classification (germline): Pathogenic/Likely pathogenic. Review status: criteria provided, multiple submitters, no conflicts (2 of 4 stars). 3 submissions from 3 submitters: Pathogenic (2); Likely pathogenic (1). Last evaluated 2021-10-15.

Conditions:
X-linked Alport syndrome (ATS1). Also called: COL4A5-Related Nephropathy; NEPHROPATHY AND DEAFNESS, X-LINKED. Identifiers: Orphanet 63, Orphanet 88917, MedGen C4746986, MONDO:0010520, OMIM 301050.

Submissions (3):

Labcorp Genetics (formerly Invitae), Labcorp
Classification: Pathogenic. Last evaluated: 2021-10-15. Review status: criteria provided, single submitter. Criteria: Invitae Variant Classification Sherloc (09022015). Collection method: clinical testing. Allele origin: germline.
Comment: This variant is also known as 648delC. This sequence change creates a premature translational stop signal (p.Pro149Leufs*6) in the COL4A5 gene. It is expected to result in an absent or disrupted protein product. Loss-of-function variants in COL4A5 are known to be pathogenic (PMID: 9195222, 10752524, 14514738, 24854265, 26809805). This variant is not present in population databases (ExAC no frequency). This premature translational stop signal has been observed in individual(s) with Alport syndrome (PMID: 9848783). ClinVar contains an entry for this variant (Variation ID: 587321). For these reasons, this variant has been classified as Pathogenic.

Genome-Nilou Lab
Classification: Likely pathogenic for X-linked Alport syndrome. Last evaluated: 2021-07-22. Review status: criteria provided, single submitter. Criteria: ACMG Guidelines, 2015. Collection method: clinical testing. Allele origin: germline. Affected: no.

Institute of Human Genetics Munich, TUM University Hospital
Classification: Pathogenic for X-linked Alport syndrome. Last evaluated: 2019-05-10. Review status: criteria provided, single submitter. Criteria: Classification criteria August 2017. Collection method: clinical testing. Allele origin: germline. Inheritance: X-linked inheritance. Affected: yes. Observed: 1 heterozygote.

Literature cited by the submitters: PubMed 9195222 (cited by Labcorp Genetics (formerly Invitae), Labcorp); PubMed 10752524 (cited by Labcorp Genetics (formerly Invitae), Labcorp); PubMed 14514738 (cited by Labcorp Genetics (formerly Invitae), Labcorp); PubMed 24854265 (cited by Labcorp Genetics (formerly Invitae), Labcorp); PubMed 26809805 (cited by Labcorp Genetics (formerly Invitae), Labcorp); PubMed 9848783 (cited by Labcorp Genetics (formerly Invitae), Labcorp).